The following is an entry in ClinVar:

NM_001365951.3(KIF1B):c.2115+6961G>A

Gene: KIF1B (kinesin family member 1B; plus strand). Cytogenetic location: 1p36.22.
Variant type: single nucleotide variant.
Coding change: c.2115+6961G>A on transcript NM_001365951.3 (MANE Select); 6961 bases into the intron after coding-DNA position 2115, G replaced by A.
Molecular consequence: intron variant. On other transcripts: missense variant (2).
Genome position (GRCh38, 1-based): chr1:10,304,207, G>A. VCF-style: chr1-10304207-G-A. GRCh37 (hg19) VCF-style: chr1-10364265-G-A.
Other names: c.3022G>A, p.Gly1008Arg (NM_001365953.1, NM_183416.4); c.1977+6961G>A (NM_015074.3); c.2115+6961G>A (NM_001365952.1); short protein forms G1008R.
Identifiers: ClinVar variation 4823383 (VCV004823383.4).
Genomic context (GRCh38, chr1:10,304,207, plus strand): 5'-CTTAGGATTCCAAAAGACGATGAAGCAAGGAAAGGGAATAAAGAAGAGAGCCAAGAAAAA[G>A]GGGGTAAAGGAGCTTTTAAGGATCCCCAGTTTCCATGGGGCTCTCAAGGAATGAGAAGTC-3'

ClinVar aggregate classification (germline): Likely benign (1 of 4 stars; one submission).

gnomAD v4.1: 4 of 1,614,182 alleles (0.00025%); highest among the groups gnomAD compares: Non-Finnish European, 0.00034%; no homozygotes.

Submission:

CeGaT Center for Human Genetics Tuebingen
Classification: Likely benign. Last evaluated: 2026-02-01. Review status: criteria provided, single submitter. Criteria: CeGaT Center For Human Genetics Tuebingen Variant Classification Criteria Version 2. Collection method: clinical testing. Allele origin: germline. Affected: yes. Observed: 1 variant allele.
Comment: KIF1B: BP4